The following is an entry in ClinVar:

NM_001291088.2(WDR87):c.1738C>T (p.Arg580Cys)

Gene: WDR87 (WD repeat domain 87; minus strand). Cytogenetic location: 19q13.13.
Variant type: single nucleotide variant.
Coding change: c.1738C>T on transcript NM_001291088.2 (MANE Select); coding-DNA position 1738, C replaced by T.
Protein change: p.Arg580Cys; replaces arginine 580 with cysteine.
Molecular consequence: missense variant.
Genome position (GRCh38, 1-based): chr19:37,893,965, G>A on the plus strand (C>T on the coding strand, the complement: WDR87 is on the minus strand). VCF-style: chr19-37893965-G-A. GRCh37 (hg19) VCF-style: chr19-38384605-G-A.
Other names: c.1621C>T, p.Arg541Cys (NM_031951.5); short protein forms R580C, R541C.
Identifiers: ClinVar variation 1443879 (VCV001443879.6), dbSNP rs1179132339, ClinGen allele CA405619492.

ClinVar aggregate classification (germline): Uncertain significance (1 of 4 stars; one submission).

Allele frequency attached by ClinVar (database versions not stated): gnomAD 0.00001; gnomAD exomes 0.00001; TOPMed 0.00002.
gnomAD v4.1: 10 of 1,551,648 alleles (0.00064%); highest among the groups gnomAD compares: African/African-American, 0.0055%; no homozygotes.

Submission:

Labcorp Genetics (formerly Invitae), Labcorp
Classification: Uncertain significance. Last evaluated: 2022-01-16. Review status: criteria provided, single submitter. Criteria: Invitae Variant Classification Sherloc (09022015). Collection method: clinical testing. Allele origin: germline.
Comment: This variant has not been reported in the literature in individuals affected with WDR87-related conditions. This variant is present in population databases (no rsID available, gnomAD 0.006%). This sequence change replaces arginine, which is basic and polar, with cysteine, which is neutral and slightly polar, at codon 541 of the WDR87 protein (p.Arg541Cys). Algorithms developed to predict the effect of missense changes on protein structure and function are either unavailable or do not agree on the potential impact of this missense change (SIFT: "Tolerated"; PolyPhen-2: "Probably Damaging"; Align-GVGD: "Class C0"). In summary, the available evidence is currently insufficient to determine the role of this variant in disease. Therefore, it has been classified as a Variant of Uncertain Significance.